The following is an entry in ClinVar:

NM_001366385.1(CARD14):c.2713G>A (p.Val905Ile)

Genes: SGSH (N-sulfoglucosamine sulfohydrolase; minus strand), CARD14 (caspase recruitment domain family member 14; plus strand). Cytogenetic location: 17q25.3.
Variant type: single nucleotide variant.
Coding change: c.2713G>A on transcript NM_001366385.1 (MANE Select); coding-DNA position 2713, G replaced by A.
Protein change: p.Val905Ile; replaces valine 905 with isoleucine.
Molecular consequence: missense variant. On other transcripts: non-coding transcript variant (1).
Genome position (GRCh38, 1-based): chr17:80,206,991, G>A. VCF-style: chr17-80206991-G-A. GRCh37 (hg19) VCF-style: chr17-78180790-G-A.
Other names: c.2713G>A (NM_024110.3); c.2713G>A, p.Val905Ile (NM_024110.4); short protein forms V905I.
Identifiers: ClinVar variation 935133 (VCV000935133.11), dbSNP rs375006162, ClinGen allele CA8817430.

ClinVar aggregate classification (germline): Uncertain significance. Review status: criteria provided, multiple submitters, no conflicts (2 of 4 stars). 2 submissions from 2 submitters: Uncertain significance (2). Last evaluated 2026-01-27.

Conditions:
Inborn genetic diseases. Identifiers: MedGen C0950123, MeSH D030342.
Pityriasis rubra pilaris (PRP). Also called: Pityriasis rubra pilaris--familial type. Identifiers: Orphanet 2897, MedGen C0032027, MONDO:0100017, OMIM 173200, MONDO:0008251.
Psoriasis 2. Identifiers: MedGen C1864497, MONDO:0011269, OMIM 602723.

Allele frequency attached by ClinVar (database versions not stated): gnomAD exomes 0.00001 and 0.00003; ExAC 0.00002; gnomAD 0.00003 and 0.00004; TOPMed 0.00003; ESP Exome Variant Server 0.00008.
gnomAD v4.1: 40 of 1,611,678 alleles (0.0025%); highest among the groups gnomAD compares: African/African-American, 0.0067%; no homozygotes.

Submissions (2):

Labcorp Genetics (formerly Invitae), Labcorp
Classification: Uncertain significance for Pityriasis rubra pilaris; Psoriasis 2. Last evaluated: 2026-01-27. Review status: criteria provided, single submitter. Criteria: Invitae Variant Classification Sherloc (09022015). Collection method: clinical testing. Allele origin: germline.
Comment: This sequence change replaces valine, which is neutral and non-polar, with isoleucine, which is neutral and non-polar, at codon 905 of the CARD14 protein (p.Val905Ile). This variant is present in population databases (rs375006162, gnomAD 0.007%). This variant has not been reported in the literature in individuals affected with CARD14-related conditions. ClinVar contains an entry for this variant (Variation ID: 935133). Invitae Evidence Modeling of protein sequence and biophysical properties (such as structural, functional, and spatial information, amino acid conservation, physicochemical variation, residue mobility, and thermodynamic stability) indicates that this missense variant is not expected to disrupt CARD14 protein function with a negative predictive value of 95%. In summary, the available evidence is currently insufficient to determine the role of this variant in disease. Therefore, it has been classified as a Variant of Uncertain Significance.

Ambry Genetics
Classification: Uncertain significance for Inborn genetic diseases. Last evaluated: 2025-11-08. Review status: criteria provided, single submitter. Criteria: Ambry Variant Classification Scheme 2023. Collection method: clinical testing. Allele origin: germline.